The following is an entry in ClinVar:

NM_000503.6(EYA1):c.241C>T (p.Gln81Ter)

Gene: EYA1 (EYA transcriptional coactivator and phosphatase 1; minus strand). Cytogenetic location: 8q13.3.
Variant type: single nucleotide variant.
Coding change: c.241C>T on transcript NM_000503.6 (MANE Select); coding-DNA position 241, C replaced by T.
Protein change: p.Gln81Ter; replaces glutamine 81 with a stop codon.
Molecular consequence: nonsense. On other transcripts: 5 prime UTR variant (1).
Genome position (GRCh38, 1-based): chr8:71,322,230, G>A on the plus strand (C>T on the coding strand, the complement: EYA1 is on the minus strand). VCF-style: chr8-71322230-G-A. GRCh37 (hg19) VCF-style: chr8-72234465-G-A.
Other names: c.241C>T, p.Gln81Ter (NM_001288574.2, NM_001370334.1, NM_001370335.1 and 1 more transcripts); c.-44C>T (NM_001288575.2); c.328C>T, p.Gln110Ter (NM_001370333.1, NM_001370336.1, NM_172059.5); short protein forms Q81*, Q110*.
Identifiers: ClinVar variation 504996 (VCV000504996.4), dbSNP rs1554550637, ClinGen allele CA371468924.

ClinVar aggregate classification (germline): Pathogenic (1 of 4 stars; one submission).

Conditions:
Rare genetic deafness. Identifiers: Orphanet 96210, MedGen C5680250.

Submission:

Laboratory for Molecular Medicine, Mass General Brigham Personalized Medicine
Classification: Pathogenic for Rare genetic deafness. Last evaluated: 2016-04-29. Review status: criteria provided, single submitter. Criteria: LMM Criteria. Collection method: clinical testing. Allele origin: germline. Observed: 2 variant alleles.
Comment: The p.Gln81X variant in EYA1 has not been previously reported in individuals wit h hearing loss and was absent from large population studies. This nonsense varia nt leads to a premature termination codon at position 81, which is predicted to lead to a truncated or absent protein. Heterozygous loss of function of the EYA1 gene is an established disease mechanism in Branchio-oto-renal spectrum disorde rs. In summary, this variant meets our criteria to be classified as pathogenic f or Branchio-oto-renal syndrome in an autosomal dominant manner based on the pred icted impact to the protein.